The following is an entry in ClinVar:

ClinVar aggregate classification (germline): Pathogenic. Review status: criteria provided, multiple submitters, no conflicts (2 of 4 stars). 2 submissions from 2 submitters: Pathogenic (2). Last evaluated 2025-05-30.

Conditions:
Leber congenital amaurosis 9 (LCA9). Also called: LCA9 Leber Congenital Amaurosis; LCA 9; Amaurosis congenita of Leber, type 9. Identifiers: Orphanet 65, MedGen C1837873, MONDO:0012056, OMIM 608553.
NMNAT1-related disorder. Also called: NMNAT1-related condition.

Allele frequency attached by ClinVar (database versions not stated): gnomAD exomes 0.00001.
gnomAD v4.1: 12 of 1,614,016 alleles (0.00074%); highest among the groups gnomAD compares: Non-Finnish European, 0.00093%; no homozygotes.

Submissions (2):

PreventionGenetics, part of Exact Sciences
Classification: Pathogenic for NMNAT1-related condition. Last evaluated: 2025-05-30. Review status: criteria provided, single submitter. Criteria: ACMG Guidelines, 2015. Collection method: clinical testing. Allele origin: germline.
Comment: The NMNAT1 c.255G>A variant is predicted to result in premature protein termination (p.Trp85*). This variant has been reported in the compound heterozygous state in an individual with Leber congenital amaurosis (Chiang et al. 2012. PubMed ID: 22842231). This variant is absent in a large population database (gnomAD), indicating this variant is rare. Nonsense variants in NMNAT1 are an established mechanism of disease. This variant is interpreted as pathogenic.

Labcorp Genetics (formerly Invitae), Labcorp
Classification: Pathogenic for Leber congenital amaurosis 9. Last evaluated: 2023-02-26. Review status: criteria provided, single submitter. Criteria: Invitae Variant Classification Sherloc (09022015). Collection method: clinical testing. Allele origin: germline.
Comment: This sequence change creates a premature translational stop signal (p.Trp85*) in the NMNAT1 gene. It is expected to result in an absent or disrupted protein product. Loss-of-function variants in NMNAT1 are known to be pathogenic (PMID: 22842229). This variant is not present in population databases (gnomAD no frequency). This premature translational stop signal has been observed in individual(s) with Leber congenital amaurosis (PMID: 22842231). ClinVar contains an entry for this variant (Variation ID: 1459432). For these reasons, this variant has been classified as Pathogenic.

Literature cited by the submitters: PubMed 22842229 (cited by Labcorp Genetics (formerly Invitae), Labcorp); PubMed 22842231 (cited by Labcorp Genetics (formerly Invitae), Labcorp).

NM_022787.4(NMNAT1):c.255G>A (p.Trp85Ter)

Gene: NMNAT1 (nicotinamide nucleotide adenylyltransferase 1; plus strand). Cytogenetic location: 1p36.22.
Variant type: single nucleotide variant.
Coding change: c.255G>A on transcript NM_022787.4 (MANE Select); coding-DNA position 255, G replaced by A.
Protein change: p.Trp85Ter; replaces tryptophan 85 with a stop codon.
Molecular consequence: nonsense.
Genome position (GRCh38, 1-based): chr1:9,975,731, G>A. VCF-style: chr1-9975731-G-A. GRCh37 (hg19) VCF-style: chr1-10035789-G-A.
Other names: c.255G>A, p.Trp85Ter (NM_001297778.1, NM_001297779.2); c.255G>A (NM_022787.3); short protein forms W85*.
Identifiers: ClinVar variation 1459432 (VCV001459432.7), dbSNP rs2101701634, ClinGen allele CA338685065.